The following is an entry in ClinVar:

NM_000548.5(TSC2):c.3166A>G (p.Arg1056Gly)

Gene: TSC2 (TSC complex subunit 2; plus strand). Cytogenetic location: 16p13.3.
Variant type: single nucleotide variant.
Coding change: c.3166A>G on transcript NM_000548.5 (MANE Select); coding-DNA position 3166, A replaced by G.
Protein change: p.Arg1056Gly; replaces arginine 1056 with glycine.
Molecular consequence: missense variant.
Genome position (GRCh38, 1-based): chr16:2,079,310, A>G. VCF-style: chr16-2079310-A-G. GRCh37 (hg19) VCF-style: chr16-2129311-A-G.
Other names: c.3034A>G, p.Arg1012Gly (NM_001370404.1, NM_001077183.3); c.3037A>G, p.Arg1013Gly (NM_001370405.1, NM_021055.3, NM_001363528.2); c.3166A>G, p.Arg1056Gly (NM_001114382.3); c.2926A>G, p.Arg976Gly (NM_001318827.2); c.2890A>G, p.Arg964Gly (NM_001318829.2); c.2434A>G, p.Arg812Gly (NM_001318831.2); c.3067A>G, p.Arg1023Gly (NM_001318832.2); c.3166A>G (NM_000548.3); short protein forms R1056G, R964G, R1013G, R812G, R976G, R1012G, R1023G.
Identifiers: ClinVar variation 1468271 (VCV001468271.10), dbSNP rs2151437774, ClinGen allele CA394285388.

ClinVar aggregate classification (germline): Uncertain significance. Review status: criteria provided, multiple submitters, no conflicts (2 of 4 stars). 3 submissions from 3 submitters: Uncertain significance (3). Last evaluated 2026-05-14.

Conditions:
Tuberous sclerosis syndrome (TSC). Also called: Tuberous Sclerosis Complex; Tuberous sclerosis. Identifiers: Orphanet 805, MedGen C0041341, MONDO:0001734.
Hereditary cancer-predisposing syndrome. Also called: Tumor predisposition; Neoplastic Syndromes, Hereditary; Hereditary Cancer Syndrome; Hereditary neoplastic syndrome. Identifiers: Orphanet 140162, MedGen C0027672, MeSH D009386, MONDO:0015356.
Tuberous sclerosis 2 (TSC2). Identifiers: Orphanet 805, MedGen C1860707, MONDO:0013199, OMIM 613254.

gnomAD v4.1: 3 of 1,613,078 alleles (0.00019%); highest among the groups gnomAD compares: South Asian, 0.0011%; no homozygotes.

Submissions (3):

Ambry Genetics
Classification: Uncertain significance for Hereditary cancer-predisposing syndrome. Last evaluated: 2026-05-14. Review status: criteria provided, single submitter. Criteria: Ambry Variant Classification Scheme 2023. Collection method: clinical testing. Allele origin: germline.
Comment: The p.R1056G variant (also known as c.3166A>G), located in coding exon 27 of the TSC2 gene, results from an A to G substitution at nucleotide position 3166. The arginine at codon 1056 is replaced by glycine, an amino acid with dissimilar properties. This amino acid position is conserved. In addition, this alteration is predicted to be deleterious by in silico analysis. Based on the available evidence, the clinical significance of this variant remains unclear.

All of Us Research Program, National Institutes of Health
Classification: Uncertain significance for Tuberous sclerosis syndrome. Last evaluated: 2023-04-03. Review status: criteria provided, single submitter. Criteria: ACMG Guidelines, 2015. Collection method: clinical testing. Allele origin: germline. Inheritance: Autosomal dominant inheritance. Observed: 1 variant allele, 1 heterozygote.
Comment: This missense variant replaces arginine with glycine at codon 1056 of the TSC2 protein. Computational prediction suggests that this variant may have deleterious impact on protein structure and function (internally defined REVEL score threshold >= 0.7, PMID: 27666373). To our knowledge, functional studies have not been reported for this variant. This variant has not been reported in individuals affected with tuberous sclerosis complex in the literature. This variant has not been identified in the general population by the Genome Aggregation Database (gnomAD). The available evidence is insufficient to determine the role of this variant in disease conclusively. Therefore, this variant is classified as a Variant of Uncertain Significance.

This study involves interpretation of variants in research participants for the purpose of population health screening. Participant phenotype was not available at the time of variant classification. Additional details can be found in publication PMID: 35346344, PMCID: PMC8962531

Labcorp Genetics (formerly Invitae), Labcorp
Classification: Uncertain significance for Tuberous sclerosis 2. Last evaluated: 2021-05-27. Review status: criteria provided, single submitter. Criteria: Invitae Variant Classification Sherloc (09022015). Collection method: clinical testing. Allele origin: germline.
Comment: In summary, the available evidence is currently insufficient to determine the role of this variant in disease. Therefore, it has been classified as a Variant of Uncertain Significance. Advanced modeling of protein sequence and biophysical properties (such as structural, functional, and spatial information, amino acid conservation, physicochemical variation, residue mobility, and thermodynamic stability) performed at Invitae indicates that this missense variant is not expected to disrupt TSC2 protein function. This variant has not been reported in the literature in individuals with TSC2-related conditions. This variant is not present in population databases (ExAC no frequency). This sequence change replaces arginine with glycine at codon 1056 of the TSC2 protein (p.Arg1056Gly). The arginine residue is moderately conserved and there is a moderate physicochemical difference between arginine and glycine.